The following is an entry in ClinVar:

ClinVar aggregate classification (germline): Uncertain significance (1 of 4 stars; one submission).

gnomAD v4.1: 1 of 1,610,504 alleles (0.000062%); highest among the groups gnomAD compares: East Asian, 0.0022%; no homozygotes.

Submission:

GeneDx
Classification: Uncertain significance. Last evaluated: 2025-07-15. Review status: criteria provided, single submitter. Criteria: GeneDx Variant Classification Process June 2021. Collection method: clinical testing. Allele origin: germline. Affected: yes.
Comment: Not observed at significant frequency in large population cohorts (gnomAD); In silico analysis suggests that this missense variant does not alter protein structure/function; Has not been previously published as pathogenic or benign to our knowledge

NM_004397.6(DDX6):c.716A>G (p.His239Arg)

Gene: DDX6 (DEAD-box helicase 6; minus strand). Cytogenetic location: 11q23.3.
Variant type: single nucleotide variant.
Coding change: c.716A>G on transcript NM_004397.6 (MANE Select); coding-DNA position 716, A replaced by G.
Protein change: p.His239Arg; replaces histidine 239 with arginine.
Molecular consequence: missense variant.
Genome position (GRCh38, 1-based): chr11:118,763,237, T>C on the plus strand (A>G on the coding strand, the complement: DDX6 is on the minus strand). VCF-style: chr11-118763237-T-C. GRCh37 (hg19) VCF-style: chr11-118633946-T-C.
Other names: c.716A>G, p.His239Arg (NM_001257191.3, NM_001425145.1, NM_001425146.1 and 2 more transcripts); c.713A>G, p.His238Arg (NM_001425147.1, NM_001425148.1); c.569A>G, p.His190Arg (NM_001425151.1, NM_001425152.1, NM_001425153.1); c.392A>G, p.His131Arg (NM_001425154.1); short protein forms H131R, H190R, H238R, H239R.
Identifiers: ClinVar variation 4686218 (VCV004686218.1).